The following is an entry in ClinVar:

ClinVar aggregate classification (germline): Pathogenic (1 of 4 stars; one submission).

Submission:

MVZ Dr. Eberhard & Partner Dortmund
Classification: Pathogenic. Last evaluated: 2019-11-12. Review status: criteria provided, single submitter. Criteria: ACMG Guidelines, 2015. Collection method: clinical testing. Allele origin: unknown. Observed: 1 variant allele.
Comment: The deletion of 5 basepairs in exon 6 creates a frame shift starting at codon Gly330. The new reading frame ends in a stop codon at position 86 (p.(Gly330Alafs*86). Therefore the mutation is a null variant in a gene where loss of function is a known mechanism of diesease. This variant is absent from controls in Exome Sequencing Project, 1000 Genomes Project and Exome Aggregation Consortium.

NM_130849.4(SLC39A4):c.989_993del (p.Gly330fs)

Gene: SLC39A4 (solute carrier family 39 member 4; minus strand). Cytogenetic location: 8q24.3.
Variant type: Deletion.
Coding change: c.989_993del on transcript NM_130849.4 (MANE Select); coding-DNA positions 989 to 993, 5 bases deleted (GCTCC; older notation c.989_993delGCTCC).
Protein change: p.Gly330fs; shifts the reading frame from glycine 330.
Molecular consequence: frameshift variant.
Genome position (GRCh38, 1-based): chr8:144,414,418-144,414,422, GGAGC deleted on the plus strand (GCTCC on the coding strand, the reverse complement: SLC39A4 is on the minus strand). VCF-style (leftmost placement, unchanged base first): chr8-144414417-GGGAGC-G. GRCh37 (hg19) VCF-style: chr8-145639801-GGGAGC-G.
Other names: c.707_711del, p.Gly236fs (NM_001374839.1); c.914_918del, p.Gly305fs (NM_017767.3); short protein forms G236fs, G305fs, G330fs.
Identifiers: ClinVar variation 996350 (VCV000996350.2), dbSNP rs1822076943, ClinGen allele CA1826307155.